The following is an entry in ClinVar:

ClinVar aggregate classification (germline): Uncertain significance (1 of 4 stars; one submission).

Conditions:
Ataxia-telangiectasia syndrome (AT). Also called: Ataxia-telangiectasia, complementation group D; AT, COMPLEMENTATION GROUP C; ATAXIA-TELANGIECTASIA, COMPLEMENTATION GROUP A; ATAXIA-TELANGIECTASIA, FRESNO VARIANT; Ataxia-telangiectasia; LOUIS-BAR SYNDROME. Identifiers: Orphanet 100, MedGen C0004135, MONDO:0008840, OMIM 208900.

Submission:

Labcorp Genetics (formerly Invitae), Labcorp
Classification: Uncertain significance for Ataxia-telangiectasia syndrome. Last evaluated: 2021-08-27. Review status: criteria provided, single submitter. Criteria: Invitae Variant Classification Sherloc (09022015). Collection method: clinical testing. Allele origin: germline.
Comment: This sequence change replaces methionine with isoleucine at codon 2667 of the ATM protein (p.Met2667Ile). The methionine residue is moderately conserved and there is a small physicochemical difference between methionine and isoleucine. This variant is not present in population databases (ExAC no frequency). This variant has not been reported in the literature in individuals affected with ATM-related conditions. ClinVar contains an entry for this variant (Variation ID: 654509). Advanced modeling of protein sequence and biophysical properties (such as structural, functional, and spatial information, amino acid conservation, physicochemical variation, residue mobility, and thermodynamic stability) performed at Invitae indicates that this missense variant is expected to disrupt ATM protein function. Algorithms developed to predict the effect of sequence changes on RNA splicing suggest that this variant may create or strengthen a splice site. In summary, the available evidence is currently insufficient to determine the role of this variant in disease. Therefore, it has been classified as a Variant of Uncertain Significance.

NM_000051.4(ATM):c.8001G>A (p.Met2667Ile)

Genes: C11orf65 (chromosome 11 open reading frame 65; minus strand), ATM (ATM serine/threonine kinase; plus strand). Cytogenetic location: 11q22.3.
Variant type: single nucleotide variant.
Coding change: c.8001G>A on transcript NM_000051.4 (MANE Select); coding-DNA position 8001, G replaced by A.
Protein change: p.Met2667Ile; replaces methionine 2667 with isoleucine.
Molecular consequence: missense variant. On other transcripts: intron variant (2).
Genome position (GRCh38, 1-based): chr11:108,333,959, G>A. VCF-style: chr11-108333959-G-A. GRCh37 (hg19) VCF-style: chr11-108204686-G-A.
Other names: c.8001G>A, p.Met2667Ile (NM_001351834.2); c.641-24888C>T (NM_001330368.2); c.*38+1261C>T (NM_001351110.2); short protein forms M2667I.
Identifiers: ClinVar variation 654509 (VCV000654509.7), dbSNP rs1591184841, ClinGen allele CA382561797.